The following is an entry in ClinVar:

ClinVar aggregate classification (germline): Likely benign (1 of 4 stars; one submission).

Conditions:
FGB-related disorder. Also called: FGB-related condition.

gnomAD v4.1: 1 of 1,614,148 alleles (0.000062%); highest among the groups gnomAD compares: African/African-American, 0.0013%; no homozygotes.

Submission:

PreventionGenetics, part of Exact Sciences
Classification: Likely benign for FGB-related condition. Last evaluated: 2026-06-26. Review status: criteria provided, single submitter. Criteria: ACMG Guidelines, 2015. Collection method: clinical testing. Allele origin: germline.
Comment: This variant is classified as likely benign based on ACMG/AMP sequence variant interpretation guidelines (Richards et al. 2015 PMID: 25741868, with internal and published modifications).

NM_005141.5(FGB):c.462G>A (p.Leu154=)

Gene: FGB (fibrinogen beta chain; plus strand). Cytogenetic location: 4q31.3.
Variant type: single nucleotide variant.
Coding change: c.462G>A on transcript NM_005141.5 (MANE Select); coding-DNA position 462, G replaced by A.
Protein change: p.Leu154=; no amino-acid change (leucine 154 retained).
Molecular consequence: synonymous variant.
Genome position (GRCh38, 1-based): chr4:154,566,644, G>A. VCF-style: chr4-154566644-G-A. GRCh37 (hg19) VCF-style: chr4-155487796-G-A.
Other names: c.285G>A, p.Leu95= (NM_001184741.1); c.330G>A, p.Leu110= (NM_001382759.1); c.462G>A, p.Leu154= (NM_001382760.1, NM_001382761.1, NM_001382762.1 and 3 more transcripts).
Identifiers: ClinVar variation 4992485 (VCV004992485.1).